The following is an entry in ClinVar:

NM_001205293.3(CACNA1E):c.3376G>C (p.Ala1126Pro)

Gene: CACNA1E (calcium voltage-gated channel subunit alpha1 E; plus strand). Cytogenetic location: 1q25.3.
Variant type: single nucleotide variant.
Coding change: c.3376G>C on transcript NM_001205293.3 (MANE Select); coding-DNA position 3376, G replaced by C.
Protein change: p.Ala1126Pro; replaces alanine 1126 with proline.
Molecular consequence: missense variant.
Genome position (GRCh38, 1-based): chr1:181,736,388, G>C. VCF-style: chr1-181736388-G-C. GRCh37 (hg19) VCF-style: chr1-181705524-G-C.
Other names: c.3376G>C, p.Ala1126Pro (NM_000721.4); c.3319G>C, p.Ala1107Pro (NM_001205294.2); short protein forms A1107P, A1126P.
Identifiers: ClinVar variation 5020657 (VCV005020657.1).

ClinVar aggregate classification (germline): Uncertain significance (1 of 4 stars; one submission).

Submission:

Dasa
Classification: Uncertain significance. Last evaluated: 2026-04-30. Review status: criteria provided, single submitter. Criteria: DASA Assertion Criteria. Collection method: clinical testing. Allele origin: germline.
Comment: NM_001205293.3(CACNA1E):c.3376G>C (p.Ala1126Pro) is a missense variant that results in the substitution of alanine with proline. This variant is rare in population databases. The currently available literature and clinical evidence are not sufficient to establish a definitive association between this variant and the reported condition. Therefore, this variant is classified as a variant of uncertain significance.